The following is an entry in ClinVar:

ClinVar aggregate classification (germline): Uncertain significance. Review status: criteria provided, multiple submitters, no conflicts (2 of 4 stars). 2 submissions from 2 submitters: Uncertain significance (2). Last evaluated 2025-06-17.

Submissions (2):

Labcorp Genetics (formerly Invitae), Labcorp
Classification: Uncertain significance. Last evaluated: 2025-06-17. Review status: criteria provided, single submitter. Criteria: Invitae Variant Classification Sherloc (09022015). Collection method: clinical testing. Allele origin: germline.
Comment: This sequence change replaces lysine, which is basic and polar, with glutamic acid, which is acidic and polar, at codon 296 of the DIP2C protein (p.Lys296Glu). This variant is not present in population databases (gnomAD no frequency). This variant has not been reported in the literature in individuals affected with DIP2C-related conditions. An algorithm developed to predict the effect of missense changes on protein structure and function (PolyPhen-2) suggests that this variant is likely to be tolerated. In summary, the available evidence is currently insufficient to determine the role of this variant in disease. Therefore, it has been classified as a Variant of Uncertain Significance.

GeneDx
Classification: Uncertain significance. Last evaluated: 2024-12-07. Review status: criteria provided, single submitter. Criteria: GeneDx Variant Classification Process June 2021. Collection method: clinical testing. Allele origin: germline. Affected: yes.
Comment: Not observed at significant frequency in large population cohorts (gnomAD); In silico analysis supports that this missense variant has a deleterious effect on protein structure/function; Has not been previously published as pathogenic or benign to our knowledge

NM_014974.3(DIP2C):c.886A>G (p.Lys296Glu)

Gene: DIP2C (DIP2 acetate--CoA ligase C (putative); minus strand). Cytogenetic location: 10p15.3.
Variant type: single nucleotide variant.
Coding change: c.886A>G on transcript NM_014974.3 (MANE Select); coding-DNA position 886, A replaced by G.
Protein change: p.Lys296Glu; replaces lysine 296 with glutamic acid.
Molecular consequence: missense variant.
Genome position (GRCh38, 1-based): chr10:414,084, T>C on the plus strand (A>G on the coding strand, the complement: DIP2C is on the minus strand). VCF-style: chr10-414084-T-C. GRCh37 (hg19) VCF-style: chr10-460024-T-C.
Other names: short protein forms K296E.
Identifiers: ClinVar variation 3901332 (VCV003901332.2).
Genomic context (GRCh38, chr10:414,084, plus strand): 5'-AGTTCGTGACCACGCCCAGCTGCTCTCCGCGCATGGCCAGCATCTGGGCCCCCTCCGGCT[T>C]TGGTTGGTTCGGATCCGGTTGTTGAACTAAATCGTTTGAATACAAGAGGTTACAAGAGAA-3'
Protein context (NP_055789.1, residues 286-306): EVQQPDPNQP[Lys296Glu]PEGAQMLAMR